The following is an entry in ClinVar:

NM_201384.3(PLEC):c.6238C>T (p.Arg2080Cys)

Gene: PLEC (plectin; minus strand). Cytogenetic location: 8q24.3.
Variant type: single nucleotide variant.
Coding change: c.6238C>T on transcript NM_201384.3 (MANE Select); coding-DNA position 6238, C replaced by T.
Protein change: p.Arg2080Cys; replaces arginine 2080 with cysteine.
Molecular consequence: missense variant. On other transcripts: intron variant (1).
Genome position (GRCh38, 1-based): chr8:143,923,691, G>A on the plus strand (C>T on the coding strand, the complement: PLEC is on the minus strand). VCF-style: chr8-143923691-G-A. GRCh37 (hg19) VCF-style: chr8-144997859-G-A.
Other names: c.6319C>T, p.Arg2107Cys (NM_000445.5); c.6196C>T, p.Arg2066Cys (NM_201378.4); c.6172C>T, p.Arg2058Cys (NM_201379.3); c.6649C>T, p.Arg2217Cys (NM_201380.4); c.6142C>T, p.Arg2048Cys (NM_201381.3); c.6238C>T, p.Arg2080Cys (NM_201382.4); c.6250C>T, p.Arg2084Cys (NM_201383.3); c.4126-1296C>T (NM_001410941.1); and 1 more; short protein forms R2048C, R2058C, R2066C, R2084C, R2080C, R2107C, R2217C.
Identifiers: ClinVar variation 2926119 (VCV002926119.5), dbSNP rs868963575, ClinGen allele CA187614924.

ClinVar aggregate classification (germline): Uncertain significance. Review status: criteria provided, multiple submitters, no conflicts (2 of 4 stars). 3 submissions from 3 submitters: Uncertain significance (3). Last evaluated 2024-03-18.

Conditions:
Epidermolysis bullosa simplex with nail dystrophy (EBS5D). Identifiers: MedGen C4225309, MONDO:0014661, OMIM 616487.
Epidermolysis bullosa simplex 5B, with muscular dystrophy (EBS5B). Also called: EPIDERMOLYSIS BULLOSA SIMPLEX AND LIMB-GIRDLE MUSCULAR DYSTROPHY; Epidermolysis bullosa simplex with muscular dystrophy. Identifiers: Orphanet 257, MedGen C2931072, MONDO:0009181, OMIM 226670.
Epidermolysis bullosa simplex 5C, with pyloric atresia (EBS5C). Also called: PLEC-Related Epidermolysis Bullosa with Pyloric Atresia; Epidermolysis bullosa simplex with pyloric atresia; PLEC1-Related Epidermolysis Bullosa with Pyloric Atresia. Identifiers: Orphanet 158684, MedGen C2677349, MONDO:0012807, OMIM 612138.
Autosomal recessive limb-girdle muscular dystrophy type 2Q (LGMDR17). Also called: MUSCULAR DYSTROPHY, LIMB-GIRDLE, AUTOSOMAL RECESSIVE 17. Identifiers: Orphanet 254361, MedGen C3150989, MONDO:0013390, OMIM 613723.
Epidermolysis bullosa simplex, Ogna type (EBS5A). Also called: Pidermolysis bullosa simplex 5A, Ogna type; EPIDERMOLYSIS BULLOSA SIMPLEX 5A, OGNA TYPE. Identifiers: Orphanet 79401, MedGen C0432317, MONDO:0007555, OMIM 131950.
Junctional epidermolysis bullosa with pyloric atresia. Also called: ITGB4-Related Epidermolysis Bullosa with Pyloric Atresia; ITGA6-Related Epidermolysis Bullosa with Pyloric Atresia; EPIDERMOLYSIS BULLOSA, JUNCTIONAL 5B, WITH PYLORIC ATRESIA; Junctional Epidermolysis Bullosa- Pyloric Atresia Syndrome; APLASIA CUTIS CONGENITA WITH GASTROINTESTINAL ATRESIA; CARMI SYNDROME. Identifiers: Orphanet 79403, MedGen C5676875, MONDO:0009183, OMIM 226730.

Allele frequency attached by ClinVar (database versions not stated): gnomAD 0.00001; TOPMed 0.00002.
gnomAD v4.1: 15 of 1,545,924 alleles (0.00097%); highest among the groups gnomAD compares: Middle Eastern, 0.017%; no homozygotes.

Submissions (3):

Labcorp Genetics (formerly Invitae), Labcorp
Classification: Uncertain significance for Autosomal recessive limb-girdle muscular dystrophy type 2Q; Epidermolysis bullosa simplex, Ogna type; Epidermolysis bullosa simplex with nail dystrophy; Epidermolysis bullosa simplex 5C, with pyloric atresia; Epidermolysis bullosa simplex 5B, with muscular dystrophy. Last evaluated: 2024-03-18. Review status: criteria provided, single submitter. Criteria: Invitae Variant Classification Sherloc (09022015). Collection method: clinical testing. Allele origin: germline.
Comment: This sequence change replaces arginine, which is basic and polar, with cysteine, which is neutral and slightly polar, at codon 2107 of the PLEC protein (p.Arg2107Cys). The frequency data for this variant in the population databases is considered unreliable, as metrics indicate poor data quality at this position in the gnomAD database. This variant has not been reported in the literature in individuals affected with PLEC-related conditions. An algorithm developed to predict the effect of missense changes on protein structure and function (PolyPhen-2) suggests that this variant is likely to be tolerated. In summary, the available evidence is currently insufficient to determine the role of this variant in disease. Therefore, it has been classified as a Variant of Uncertain Significance.

GeneDx
Classification: Uncertain significance. Last evaluated: 2023-12-01. Review status: criteria provided, single submitter. Criteria: GeneDx Variant Classification Process June 2021. Collection method: clinical testing. Allele origin: germline. Affected: yes.
Comment: Not observed at significant frequency in large population cohorts (gnomAD); In silico analysis supports that this missense variant has a deleterious effect on protein structure/function; Missense variant in a gene in which most reported pathogenic variants are truncating/loss of function; Has not been previously published as pathogenic or benign to our knowledge

Department of Pathology and Laboratory Medicine, Sinai Health System
Classification: Uncertain significance for Epidermolysis bullosa simplex, Ogna type; Epidermolysis bullosa simplex 5B, with muscular dystrophy; Junctional epidermolysis bullosa with pyloric atresia; Epidermolysis bullosa simplex 5C, with pyloric atresia; Autosomal recessive limb-girdle muscular dystrophy type 2Q; Epidermolysis bullosa simplex with nail dystrophy. Last evaluated: 2021-09-29. Review status: criteria provided, single submitter. Criteria: ACMG Guidelines, 2015. Collection method: research. Allele origin: germline.